The following is an entry in ClinVar:

NM_000051.4(ATM):c.7430_7432del (p.Gly2477del)

Genes: ATM (ATM serine/threonine kinase; plus strand), C11orf65 (chromosome 11 open reading frame 65; minus strand). Cytogenetic location: 11q22.3.
Variant type: Deletion.
Coding change: c.7430_7432del on transcript NM_000051.4 (MANE Select); coding-DNA positions 7430 to 7432, 3 bases deleted (GAG; older notation c.7430_7432delGAG).
Protein change: p.Gly2477del; deletes glycine 2477.
Molecular consequence: inframe deletion. On other transcripts: intron variant (2).
Genome position (GRCh38, 1-based): chr11:108,330,336-108,330,338, GAG deleted; deleting any 3 consecutive bases within chr11:108,330,335-108,330,338 gives the same sequence; the c. name uses the placement nearest the transcript's 3' end. VCF-style (leftmost placement, unchanged base first): chr11-108330334-TGGA-T. GRCh37 (hg19) VCF-style: chr11-108201061-TGGA-T.
Other names: c.7430_7432del, p.Gly2477del (NM_001351834.2); c.641-21266_641-21264del (NM_001330368.2); c.*38+4883_*38+4885del (NM_001351110.2); short protein forms G2477del.
Identifiers: ClinVar variation 2910290 (VCV002910290.3), dbSNP rs2547262992, ClinGen allele CA2695215508.

ClinVar aggregate classification (germline): Uncertain significance (1 of 4 stars; one submission).

Conditions:
Ataxia-telangiectasia syndrome (AT). Also called: ATAXIA-TELANGIECTASIA, COMPLEMENTATION GROUP A; ATAXIA-TELANGIECTASIA, FRESNO VARIANT; Ataxia-telangiectasia; Ataxia-telangiectasia, complementation group E; LOUIS-BAR SYNDROME; Cerebello-oculocutaneous telangiectasia. Identifiers: Orphanet 100, MedGen C0004135, MONDO:0008840, OMIM 208900.

Submission:

Labcorp Genetics (formerly Invitae), Labcorp
Classification: Uncertain significance for Ataxia-telangiectasia syndrome. Last evaluated: 2023-05-24. Review status: criteria provided, single submitter. Criteria: Invitae Variant Classification Sherloc (09022015). Collection method: clinical testing. Allele origin: germline.
Comment: This variant, c.7430_7432del, results in the deletion of 1 amino acid(s) of the ATM protein (p.Gly2477del), but otherwise preserves the integrity of the reading frame. In summary, the available evidence is currently insufficient to determine the role of this variant in disease. Therefore, it has been classified as a Variant of Uncertain Significance. Algorithms developed to predict the effect of sequence changes on RNA splicing suggest that this variant may disrupt the consensus splice site. This variant has been observed in individual(s) with hereditary breast and ovarian cancer (HBOC) (PMID: 30287823). This variant is not present in population databases (gnomAD no frequency).

Literature cited by the submitters: PubMed 30287823.